The following is an entry in ClinVar:

ClinVar aggregate classification (germline): Uncertain significance (1 of 4 stars; one submission).

Conditions:
Hypertrophic cardiomyopathy. Also called: HYPERTROPHIC MYOCARDIOPATHY. Identifiers: Orphanet 217569, MedGen C0007194, MeSH D002312, MONDO:0005045, HP:0001639.

Allele frequency attached by ClinVar (database versions not stated): gnomAD exomes 0.00001.
gnomAD v4.1: 18 of 1,613,870 alleles (0.0011%); highest among the groups gnomAD compares: Non-Finnish European, 0.0014%; no homozygotes.

Submission:

Labcorp Genetics (formerly Invitae), Labcorp
Classification: Uncertain significance for Hypertrophic cardiomyopathy. Last evaluated: 2023-03-24. Review status: criteria provided, single submitter. Criteria: Invitae Variant Classification Sherloc (09022015). Collection method: clinical testing. Allele origin: germline.
Comment: In summary, the available evidence is currently insufficient to determine the role of this variant in disease. Therefore, it has been classified as a Variant of Uncertain Significance. Advanced modeling of protein sequence and biophysical properties (such as structural, functional, and spatial information, amino acid conservation, physicochemical variation, residue mobility, and thermodynamic stability) performed at Invitae indicates that this missense variant is not expected to disrupt MYOM1 protein function. This variant has not been reported in the literature in individuals affected with MYOM1-related conditions. This variant is not present in population databases (gnomAD no frequency). This sequence change replaces asparagine, which is neutral and polar, with serine, which is neutral and polar, at codon 1609 of the MYOM1 protein (p.Asn1609Ser).

NM_003803.4(MYOM1):c.4826A>G (p.Asn1609Ser)

Gene: MYOM1 (myomesin 1; minus strand). Cytogenetic location: 18p11.31.
Variant type: single nucleotide variant.
Coding change: c.4826A>G on transcript NM_003803.4 (MANE Select); coding-DNA position 4826, A replaced by G.
Protein change: p.Asn1609Ser; replaces asparagine 1609 with serine.
Molecular consequence: missense variant.
Genome position (GRCh38, 1-based): chr18:3,067,494, T>C on the plus strand (A>G on the coding strand, the complement: MYOM1 is on the minus strand). VCF-style: chr18-3067494-T-C. GRCh37 (hg19) VCF-style: chr18-3067492-T-C.
Other names: c.4538A>G, p.Asn1513Ser (NM_019856.2); short protein forms N1513S, N1609S.
Identifiers: ClinVar variation 2955053 (VCV002955053.3), dbSNP rs1286611107, ClinGen allele CA401705426.
Genomic context (GRCh38, chr18:3,067,494, plus strand): 5'-GCGGTCCTCCCAGCCTCGAACTTGAGGTTGCAGTGGTCGTCTGAGGCCAGGGCCTTCTCG[T>C]TCTTCAACCACGACACCTCCGGAGGCGGGTCTCCCCACACGTTGCAAGTGAGATTAAGGG-3'
Protein context (NP_003794.3, residues 1599-1619): DPPPEVSWLK[Asn1609Ser]EKALASDDHC